The following is an entry in ClinVar:

NM_032436.4(CHAMP1):c.750A>G (p.Leu250=)

Gene: CHAMP1 (chromosome alignment maintaining phosphoprotein 1; plus strand). Cytogenetic location: 13q34.
Variant type: single nucleotide variant.
Coding change: c.750A>G on transcript NM_032436.4 (MANE Select); coding-DNA position 750, A replaced by G.
Protein change: p.Leu250=; no amino-acid change (leucine 250 retained).
Molecular consequence: synonymous variant.
Genome position (GRCh38, 1-based): chr13:114,324,592, A>G. VCF-style: chr13-114324592-A-G. GRCh37 (hg19) VCF-style: chr13-115090067-A-G.
Other names: c.750A>G, p.Leu250= (NM_001164144.3, NM_001164145.3).
Identifiers: ClinVar variation 2644020 (VCV002644020.24), dbSNP rs1229916794, ClinGen allele CA485436117.

ClinVar aggregate classification (germline): Likely benign (1 of 4 stars; one submission).

Allele frequency attached by ClinVar (database versions not stated): gnomAD exomes below 0.00001; gnomAD 0.00001; TOPMed 0.00001.
gnomAD v4.1: 3 of 1,613,996 alleles (0.00019%); highest among the groups gnomAD compares: African/African-American, 0.004%; no homozygotes.

Submission:

CeGaT Center for Human Genetics Tuebingen
Classification: Likely benign. Last evaluated: 2023-03-01. Review status: criteria provided, single submitter. Criteria: CeGaT Center For Human Genetics Tuebingen Variant Classification Criteria Version 2. Collection method: clinical testing. Allele origin: germline. Affected: yes. Observed: 1 variant allele.
Comment: CHAMP1: BP4, BP7